The following is an entry in ClinVar:

ClinVar aggregate classification (germline): Conflicting classifications of pathogenicity. Review status: criteria provided, conflicting classifications (1 of 4 stars). 3 submissions from 3 submitters: Pathogenic (1); Uncertain significance (2). Last evaluated 2026-07-27.

Conditions:
Inborn genetic diseases. Identifiers: MedGen C0950123, MeSH D030342.

Allele frequency attached by ClinVar (database versions not stated): TOPMed 0.00006.
gnomAD v4.1: 18 of 1,603,912 alleles (0.0011%); highest among the groups gnomAD compares: Admixed American, 0.02%; no homozygotes.

Submissions (3):

Ambry Genetics
Classification: Uncertain significance for Inborn genetic diseases. Last evaluated: 2026-07-27. Review status: criteria provided, single submitter. Criteria: Ambry Variant Classification Scheme 2023. Collection method: clinical testing. Allele origin: germline.
Comment: The c.3519C>A (p.Y1173*) alteration, located in exon 22 (coding exon 22) of the TRAPPC9 gene, consists of a C to A substitution at nucleotide position 3519. This changes the amino acid from a tyrosine (Y) to a stop codon at amino acid position 1173. Premature stop codons are typically deleterious in nature (Richards, 2015). Based on data from gnomAD, the A allele has an overall frequency of 0.002% (5/261868) total alleles studied. The highest observed frequency was 0.015% (1/6754) of Other alleles. Based on insufficient or conflicting evidence, the clinical significance of this alteration remains unclear.

Labcorp Genetics (formerly Invitae), Labcorp
Classification: Pathogenic. Last evaluated: 2025-11-08. Review status: criteria provided, single submitter. Criteria: Invitae Variant Classification Sherloc (09022015). Collection method: clinical testing. Allele origin: germline.
Comment: This sequence change creates a premature translational stop signal (p.Tyr1173*) in the TRAPPC9 gene. It is expected to result in an absent or disrupted protein product. Loss-of-function variants in TRAPPC9 are known to be pathogenic (PMID: 2000476, 20004763, 20004764). The frequency data for this variant in the population databases is considered unreliable, as metrics indicate poor data quality at this position in the gnomAD database. This variant has not been reported in the literature in individuals affected with TRAPPC9-related conditions. ClinVar contains an entry for this variant (Variation ID: 589347). For these reasons, this variant has been classified as Pathogenic.

Genetic Services Laboratory, University of Chicago
Classification: Uncertain significance. Last evaluated: 2019-07-09. Review status: criteria provided, single submitter. Criteria: ACMG Guidelines, 2015. Collection method: clinical testing. Allele origin: germline. Affected: no.

Literature cited by the submitters: PubMed 2000476 (cited by Labcorp Genetics (formerly Invitae), Labcorp); PubMed 20004763 (cited by Labcorp Genetics (formerly Invitae), Labcorp); PubMed 20004764 (cited by Labcorp Genetics (formerly Invitae), Labcorp).

NM_001160372.4(TRAPPC9):c.3225C>A (p.Tyr1075Ter)

Gene: TRAPPC9 (trafficking protein particle complex subunit 9; minus strand). Cytogenetic location: 8q24.3.
Variant type: single nucleotide variant.
Coding change: c.3225C>A on transcript NM_001160372.4 (MANE Select); coding-DNA position 3225, C replaced by A.
Protein change: p.Tyr1075Ter; replaces tyrosine 1075 with a stop codon.
Molecular consequence: nonsense. On other transcripts: non-coding transcript variant (1).
Genome position (GRCh38, 1-based): chr8:139,732,033, G>T on the plus strand (C>A on the coding strand, the complement: TRAPPC9 is on the minus strand). VCF-style: chr8-139732033-G-T. GRCh37 (hg19) VCF-style: chr8-140744276-G-T.
Other names: c.3198C>A, p.Tyr1066Ter (NM_001321646.2); c.3246C>A, p.Tyr1082Ter (NM_001374682.1); c.3114C>A, p.Tyr1038Ter (NM_001374683.1); c.3081C>A, p.Tyr1027Ter (NM_001374684.1); c.3225C>A, p.Tyr1075Ter (NM_031466.8); short protein forms Y1075*, Y1066*, Y1027*, Y1038*, Y1082*.
Identifiers: ClinVar variation 589347 (VCV000589347.17), dbSNP rs58740567, ClinGen allele CA187199430.